The following is an entry in ClinVar:

ClinVar aggregate classification (germline): Pathogenic. Review status: reviewed by expert panel (3 of 4 stars). 14 submissions from 14 submitters: Pathogenic (1). 13 of the submissions do not count toward it. Last evaluated 2016-09-08.

Conditions:
Hereditary cancer-predisposing syndrome. Also called: Tumor predisposition; Neoplastic Syndromes, Hereditary; Hereditary Cancer Syndrome; Hereditary neoplastic syndrome. Identifiers: Orphanet 140162, MedGen C0027672, MeSH D009386, MONDO:0015356.
Hereditary breast ovarian cancer syndrome. Also called: Hereditary breast and ovarian cancer syndrome (HBOC); Hereditary breast and ovarian cancer syndrome; Hereditary breast and ovarian cancer; Hereditary breast and/or ovarian cancer syndrome; Breast and ovarian cancer; BRCA1- and BRCA2-Associated Hereditary Breast and Ovarian Cancer. Identifiers: Orphanet 145, MedGen C0677776, MeSH D061325, MONDO:0003582. Disease mechanism: loss of function.
Ovarian neoplasm. Also called: Ovarian tumor; Neoplasm of ovary; Ovarian Neoplasms. Identifiers: MedGen C0919267, MeSH D010051, MONDO:0021068, HP:0100615.
Breast-ovarian cancer, familial, susceptibility to, 1 (BROVCA1). Also called: OVARIAN CANCER, SUSCEPTIBILITY TO; BRCA1 Hereditary Breast and Ovarian Cancer. Identifiers: Orphanet 145, MedGen C2676676, MONDO:0011450, OMIM 604370. Disease mechanism: loss of function.

Submissions (14):

Evidence-based Network for the Interpretation of Germline Mutant Alleles (ENIGMA)
Classification: Pathogenic for Breast-ovarian cancer, familial, susceptibility to, 1. Last evaluated: 2016-09-08. Review status: reviewed by expert panel. Criteria: ENIGMA BRCA1/2 Classification Criteria (2015). Collection method: curation. Allele origin: germline.
Comment: Variant allele predicted to encode a truncated non-functional protein.

Labcorp Genetics (formerly Invitae), Labcorp
Classification: Pathogenic for Hereditary breast ovarian cancer syndrome. Last evaluated: 2025-06-06. Review status: criteria provided, single submitter. Criteria: Invitae Variant Classification Sherloc (09022015). Collection method: clinical testing. Allele origin: germline. Not counted in ClinVar's aggregate classification.
Comment: This sequence change creates a premature translational stop signal (p.His839Thrfs*7) in the BRCA1 gene. It is expected to result in an absent or disrupted protein product. Loss-of-function variants in BRCA1 are known to be pathogenic (PMID: 20104584). This variant is not present in population databases (gnomAD no frequency). This premature translational stop signal has been observed in individual(s) with Wilms' tumor and breast cancer (PMID: 11710890, 20104584, 21729660). This variant is also known as 2634delC, Stop 845. ClinVar contains an entry for this variant (Variation ID: 37474). For these reasons, this variant has been classified as Pathogenic.

Ambry Genetics
Classification: Pathogenic for Hereditary cancer-predisposing syndrome. Last evaluated: 2025-04-24. Review status: criteria provided, single submitter. Criteria: Ambry Variant Classification Scheme 2023. Collection method: clinical testing. Allele origin: germline. Not counted in ClinVar's aggregate classification.
Comment: The c.2515delC pathogenic mutation, located in coding exon 9 of the BRCA1 gene, results from a deletion of one nucleotide at nucleotide position 2515, causing a translational frameshift with a predicted alternate stop codon (p.H839Tfs*7). Of note, this alteration is also designated 2634delC in published literature. This variant is considered to be rare based on population cohorts in the Genome Aggregation Database (gnomAD). In addition to the clinical data presented in the literature, this alteration is expected to result in loss of function by premature protein truncation or nonsense-mediated mRNA decay. As such, this alteration is interpreted as a disease-causing mutation.

Baylor Genetics
Classification: Pathogenic for Breast-ovarian cancer, familial, susceptibility to, 1. Last evaluated: 2023-11-14. Review status: criteria provided, single submitter. Criteria: ACMG Guidelines, 2015. Collection method: clinical testing. Allele origin: unknown. Not counted in ClinVar's aggregate classification.

Revvity Omics, Revvity
Classification: Pathogenic. Last evaluated: 2022-11-04. Review status: criteria provided, single submitter. Criteria: ACMG Guidelines, 2015. Collection method: clinical testing. Allele origin: germline. Not counted in ClinVar's aggregate classification.

GeneDx
Classification: Pathogenic. Last evaluated: 2022-05-16. Review status: criteria provided, single submitter. Criteria: GeneDx Variant Classification Process June 2021. Collection method: clinical testing. Allele origin: germline. Affected: yes. Not counted in ClinVar's aggregate classification.
Comment: Frameshift variant predicted to result in protein truncation or nonsense mediated decay in a gene for which loss-of-function is a known mechanism of disease; Truncating variants in this gene are considered pathogenic by a well-established clinical consortium and/or database; Not observed at significant frequency in large population cohorts (gnomAD); Also known as 2634delC; This variant is associated with the following publications: (PMID: 11710890, 21324516, 20104584, 21729660, 16267036, 28152038)

Institute for Clinical Genetics, University Hospital TU Dresden, University Hospital TU Dresden
Classification: Pathogenic. Last evaluated: 2021-11-03. Review status: criteria provided, single submitter. Criteria: ACMG Guidelines, 2015. Collection method: clinical testing. Allele origin: germline. Not counted in ClinVar's aggregate classification.

Color Diagnostics, LLC DBA Color Health
Classification: Pathogenic for Hereditary cancer-predisposing syndrome. Last evaluated: 2021-06-03. Review status: criteria provided, single submitter. Criteria: ACMG Guidelines, 2015. Collection method: clinical testing. Allele origin: germline. Not counted in ClinVar's aggregate classification.
Comment: This variant deletes 1 nucleotide in exon 10 of the BRCA1 gene, creating a frameshift and premature translation stop signal. This variant is expected to result in an absent or non-functional protein product. This variant has been reported in individuals affected with breast cancer (PMID: 20104584, 28715532). This variant has not been identified in the general population by the Genome Aggregation Database (gnomAD). Loss of BRCA1 function is a known mechanism of disease. Based on the available evidence, this variant is classified as Pathogenic.

Institute of Medical Genetics and Applied Genomics, University Hospital Tübingen
Classification: Pathogenic. Last evaluated: 2020-10-23. Review status: criteria provided, single submitter. Criteria: ACMG Guidelines, 2015. Collection method: clinical testing. Allele origin: germline. Inheritance: Unknown mechanism. Affected: yes. Not counted in ClinVar's aggregate classification.

Consortium of Investigators of Modifiers of BRCA1/2 (CIMBA), c/o University of Cambridge
Classification: Pathogenic for Breast-ovarian cancer, familial, susceptibility to, 1. Last evaluated: 2015-10-02. Review status: criteria provided, single submitter. Criteria: CIMBA Mutation Classification guidelines May 2016. Collection method: clinical testing. Allele origin: germline. Not counted in ClinVar's aggregate classification.

German Consortium for Hereditary Breast and Ovarian Cancer, University Hospital Cologne
Classification: Pathogenic for Ovarian neoplasm. Last evaluated: 2018-12-01. Review status: no assertion criteria provided. Collection method: research. Allele origin: germline. Affected: yes. Not counted in ClinVar's aggregate classification.

Research Molecular Genetics Laboratory, Women's College Hospital, University of Toronto
Classification: Pathogenic for Hereditary breast ovarian cancer syndrome. Last evaluated: 2014-01-31. Review status: no assertion criteria provided. Collection method: research. Allele origin: germline. Affected: yes. Study: The Canadian Open Genetics Repository (COGR). Not counted in ClinVar's aggregate classification.

Sharing Clinical Reports Project (SCRP)
Classification: Pathogenic for Breast-ovarian cancer, familial 1. Last evaluated: 2010-10-15. Review status: no assertion criteria provided. Collection method: clinical testing. Allele origin: germline. Not counted in ClinVar's aggregate classification.

Breast Cancer Information Core (BIC) (BRCA1)
Classification: Pathogenic for Breast-ovarian cancer, familial 1. Last evaluated: 2002-05-29. Review status: no assertion criteria provided. Collection method: clinical testing. Allele origin: germline. Affected: yes. Observed: 6 variant alleles. Not counted in ClinVar's aggregate classification.

Literature cited by the submitters: PubMed 20104584 (cited by Labcorp Genetics (formerly Invitae), Labcorp); PubMed 11710890 (cited by Labcorp Genetics (formerly Invitae), Labcorp); PubMed 21729660 (cited by Labcorp Genetics (formerly Invitae), Labcorp); PubMed 16267036 (cited by Ambry Genetics); PubMed 21324516 (cited by Ambry Genetics); PubMed 27153395 (cited by Ambry Genetics); PubMed 29446198 (cited by Ambry Genetics); PubMed 32125938 (cited by Ambry Genetics).

NM_007294.4(BRCA1):c.2515del (p.His839fs)

Gene: BRCA1 (BRCA1 DNA repair associated; minus strand). Cytogenetic location: 17q21.31.
Variant type: Deletion.
Coding change: c.2515del on transcript NM_007294.4 (MANE Select); coding-DNA position 2515, one base deleted (C; older notation c.2515delC).
Protein change: p.His839fs; shifts the reading frame from histidine 839.
Molecular consequence: frameshift variant. On other transcripts: intron variant (137).
Genome position (GRCh38, 1-based): chr17:43,093,016, G deleted on the plus strand (C on the coding strand, the reverse complement: BRCA1 is on the minus strand); the first of 2 consecutive G bases (chr17:43,093,016-43,093,017); deleting either gives the same sequence. VCF-style (leftmost placement, unchanged base first): chr17-43093015-TG-T. GRCh37 (hg19) VCF-style: chr17-41245032-TG-T.
Other names: 2634delC; c.2515delC (NM_007294.3); c.671-1984del (NM_001408418.1, NM_001408423.1, NM_001408420.1 and 2 more transcripts); c.787+1728del (NM_001407981.1, NM_007298.4, NM_001407978.1 and 17 more transcripts); c.643+1728del (NM_001408462.1, NM_001408470.1, NM_001408464.1 and 3 more transcripts); c.709+1728del (NM_001408414.1, NM_001408411.1, NM_001408415.1 and 2 more transcripts); c.577+1728del (NM_001408514.1, NM_001408485.1, NM_001408483.1 and 9 more transcripts); c.661+1728del (NM_001408447.1, NM_001408433.1, NM_001408446.1 and 6 more transcripts); and 43 more; short protein forms H839fs, H792fs, H543fs, H727fs, H750fs, H797fs, H836fs, H671fs.
Identifiers: ClinVar variation 37474 (VCV000037474.36), dbSNP rs80357607, ClinGen allele CA001664.